The following is an entry in ClinVar:

ClinVar aggregate classification (germline): Conflicting classifications of pathogenicity. Review status: criteria provided, conflicting classifications (1 of 4 stars). 4 submissions from 4 submitters: Uncertain significance (2); Likely benign (2). Last evaluated 2025-12-18.

Conditions:
SPTB-related disorder. Also called: SPTB-related condition; SPTB-Related Disorders.

Allele frequency attached by ClinVar (database versions not stated): ExAC 0.00021; gnomAD exomes 0.00024; gnomAD 0.00029 and 0.00030; TOPMed 0.00029; 1000 Genomes Project 30x 0.00031; ESP Exome Variant Server 0.00038; 1000 Genomes Project 0.00040.
gnomAD v4.1: 616 of 1,614,182 alleles (0.038%); highest among the groups gnomAD compares: East Asian, 0.1%; 1 homozygote.

Submissions (4):

Labcorp Genetics (formerly Invitae), Labcorp
Classification: Likely benign. Last evaluated: 2025-12-18. Review status: criteria provided, single submitter. Criteria: Invitae Variant Classification Sherloc (09022015). Collection method: clinical testing. Allele origin: germline.

PreventionGenetics, part of Exact Sciences
Classification: Likely benign for SPTB-related condition. Last evaluated: 2025-05-22. Review status: criteria provided, single submitter. Criteria: ACMG Guidelines, 2015. Collection method: clinical testing. Allele origin: germline.
Comment: This variant is classified as likely benign based on ACMG/AMP sequence variant interpretation guidelines (Richards et al. 2015 PMID: 25741868, with internal and published modifications).

Blueprint Genetics
Classification: Uncertain significance. Last evaluated: 2024-11-07. Review status: criteria provided, single submitter. Criteria: ACMG Guidelines, 2015. Collection method: clinical testing. Allele origin: germline.

Revvity Omics, Revvity
Classification: Uncertain significance. Last evaluated: 2024-09-23. Review status: criteria provided, single submitter. Criteria: ACMG Guidelines, 2015. Collection method: clinical testing. Allele origin: germline.

NM_001355436.2(SPTB):c.1048G>A (p.Val350Met)

Gene: SPTB (spectrin beta, erythrocytic; minus strand). Cytogenetic location: 14q23.3.
Variant type: single nucleotide variant.
Coding change: c.1048G>A on transcript NM_001355436.2 (MANE Select); coding-DNA position 1048, G replaced by A.
Protein change: p.Val350Met; replaces valine 350 with methionine.
Molecular consequence: missense variant.
Genome position (GRCh38, 1-based): chr14:64,799,763, C>T on the plus strand (G>A on the coding strand, the complement: SPTB is on the minus strand). VCF-style: chr14-64799763-C-T. GRCh37 (hg19) VCF-style: chr14-65266481-C-T.
Other names: c.1048G>A, p.Val350Met (NM_001024858.4, NM_001355437.2); c.1048G>A (NM_001024858.2); short protein forms V350M.
Identifiers: ClinVar variation 313771 (VCV000313771.12), dbSNP rs141973081, ClinGen allele CA7231248.